The following is an entry in ClinVar:

NM_000088.4(COL1A1):c.376G>T (p.Ala126Ser)

Gene: COL1A1 (collagen type I alpha 1 chain; minus strand). Cytogenetic location: 17q21.33.
Variant type: single nucleotide variant.
Coding change: c.376G>T on transcript NM_000088.4 (MANE Select); coding-DNA position 376, G replaced by T.
Protein change: p.Ala126Ser; replaces alanine 126 with serine.
Molecular consequence: missense variant.
Genome position (GRCh38, 1-based): chr17:50,199,321, C>A on the plus strand (G>T on the coding strand, the complement: COL1A1 is on the minus strand). VCF-style: chr17-50199321-C-A. GRCh37 (hg19) VCF-style: chr17-48276682-C-A.
Other names: short protein forms A126S.
Identifiers: ClinVar variation 774145 (VCV000774145.8), dbSNP rs1424117367, ClinGen allele CA400227543.
Genomic context (GRCh38, chr17:50,199,321, plus strand): 5'-GTCCGGGGGGTCCGGGAAGTCCAGGCTGTCCAGGGATGCCATCTCGGCCAGGGGGGCCTG[C>A]GGGTCCCTGCAGGGGGAGAGGGCGGGGCCGGGGTGAGCGTGGGGCCGAGAGCCATGCCCA-3'
Protein context (NP_000079.2, residues 116-136): DTGPRGPRGP[Ala126Ser]GPPGRDGIPG

ClinVar aggregate classification (germline): Conflicting classifications of pathogenicity. Review status: criteria provided, conflicting classifications (1 of 4 stars). 3 submissions from 3 submitters: Uncertain significance (2); Likely benign (1). Last evaluated 2026-04-10.

Conditions:
Osteogenesis imperfecta type I (OI1). Also called: OSTEOGENESIS IMPERFECTA TARDA; OSTEOGENESIS IMPERFECTA WITH BLUE SCLERAE; Osteogenesis imperfecta type 1; Lobstein's Disease; Lobstein disease; Classic Non-deforming Osteogenesis Imperfecta with Blue Sclerae. Identifiers: Orphanet 216796, Orphanet 666, MedGen C0023931, MONDO:0008146, OMIM 166200. Disease mechanism: loss of function.

gnomAD v4.1: 9 of 1,556,206 alleles (0.00058%); highest among the groups gnomAD compares: Admixed American, 0.0038%; no homozygotes.

Submissions (3):

Women's Health and Genetics/Laboratory Corporation of America, LabCorp
Classification: Uncertain significance. Last evaluated: 2026-04-10. Review status: criteria provided, single submitter. Criteria: LabCorp Variant Classification Summary - May 2015. Collection method: clinical testing. Allele origin: germline.
Comment: Variant summary: COL1A1 c.376G>T (p.Ala126Ser) results in a conservative amino acid change in the encoded protein sequence. Algorithms developed to predict the effect of missense changes on protein structure and function are either unavailable or do not agree on the potential impact of this missense change. The variant allele was found at a frequency of 1.2e-05 in 160462 control chromosomes. The available data on variant occurrences in the general population are insufficient to allow any conclusion about variant significance. To our knowledge, no occurrence of c.376G>T in individuals affected with COL1A1-related conditions and no experimental evidence demonstrating its impact on protein function have been reported. ClinVar contains an entry for this variant (Variation ID: 774145). Based on the evidence outlined above, the variant was classified as uncertain significance.

Labcorp Genetics (formerly Invitae), Labcorp
Classification: Likely benign for Osteogenesis imperfecta type I. Last evaluated: 2025-08-26. Review status: criteria provided, single submitter. Criteria: Invitae Variant Classification Sherloc (09022015). Collection method: clinical testing. Allele origin: germline.

GeneDx
Classification: Uncertain significance. Last evaluated: 2024-06-03. Review status: criteria provided, single submitter. Criteria: GeneDx Variant Classification Process June 2021. Collection method: clinical testing. Allele origin: germline. Affected: yes.
Comment: In silico analysis indicates that this missense variant does not alter protein structure/function; Has not been previously published as pathogenic or benign to our knowledge; Not located in the triple helical region, where the majority of pathogenic missense variants occur (HGMD)